The following is an entry in ClinVar:

ClinVar aggregate classification (germline): Likely benign. Review status: criteria provided, multiple submitters, no conflicts (2 of 4 stars). 4 submissions from 4 submitters: Likely benign (4). Last evaluated 2024-07-15.

Conditions:
Familial thoracic aortic aneurysm and aortic dissection (TAAD). Also called: Thoracic aortic aneurysms and dissections. Identifiers: Orphanet 91387, MedGen C4707243, MONDO:0019625.
Aortic aneurysm, familial thoracic 4 (AAT4). Also called: AORTIC ANEURYSM/AORTIC DISSECTION AND PATENT DUCTUS ARTERIOSUS. Identifiers: MedGen C1851504, MONDO:0007568, OMIM 132900.

Allele frequency attached by ClinVar (database versions not stated): gnomAD exomes below 0.00001; ExAC 0.00001; gnomAD 0.00002.
gnomAD v4.1: 8 of 1,613,952 alleles (0.0005%); highest among the groups gnomAD compares: African/African-American, 0.0027%; no homozygotes.

Submissions (4):

Labcorp Genetics (formerly Invitae), Labcorp
Classification: Likely benign for Aortic aneurysm, familial thoracic 4. Last evaluated: 2024-07-15. Review status: criteria provided, single submitter. Criteria: Invitae Variant Classification Sherloc (09022015). Collection method: clinical testing. Allele origin: germline.

All of Us Research Program, National Institutes of Health
Classification: Likely benign for Familial thoracic aortic aneurysm and aortic dissection. Last evaluated: 2023-12-18. Review status: criteria provided, single submitter. Criteria: ACMG Guidelines, 2015. Collection method: clinical testing. Allele origin: germline. Inheritance: Autosomal dominant inheritance. Observed: 8 variant alleles, 8 heterozygotes.
Comment: This study involves interpretation of variants in research participants for the purpose of population health screening. Participant phenotype was not available at the time of variant classification. Additional details can be found in publication PMID: 35346344, PMCID: PMC8962531

Ambry Genetics
Classification: Likely benign for Familial thoracic aortic aneurysm and aortic dissection. Last evaluated: 2020-10-06. Review status: criteria provided, single submitter. Criteria: Ambry Variant Classification Scheme 2023. Collection method: clinical testing. Allele origin: germline.

Color Diagnostics, LLC DBA Color Health
Classification: Likely benign for Familial thoracic aortic aneurysm and aortic dissection. Last evaluated: 2020-01-15. Review status: criteria provided, single submitter. Criteria: ACMG Guidelines, 2015. Collection method: clinical testing. Allele origin: germline.

NM_002474.3(MYH11):c.750C>T (p.Phe250=)

Gene: MYH11 (myosin heavy chain 11; minus strand). Cytogenetic location: 16p13.11.
Variant type: single nucleotide variant.
Coding change: c.750C>T on transcript NM_002474.3 (MANE Select); coding-DNA position 750, C replaced by T.
Protein change: p.Phe250=; no amino-acid change (phenylalanine 250 retained).
Molecular consequence: synonymous variant.
Genome position (GRCh38, 1-based): chr16:15,778,820, G>A on the plus strand (C>T on the coding strand, the complement: MYH11 is on the minus strand). VCF-style: chr16-15778820-G-A. GRCh37 (hg19) VCF-style: chr16-15872677-G-A.
Other names: c.771C>T, p.Phe257= (NM_001040113.2, NM_001040114.2); c.750C>T, p.Phe250= (NM_022844.3).
Identifiers: ClinVar variation 921290 (VCV000921290.13), dbSNP rs746765174, ClinGen allele CA7922831.